The following is an entry in ClinVar:

NM_000478.6(ALPL):c.1426G>C (p.Glu476Gln)

Gene: ALPL (alkaline phosphatase, biomineralization associated; plus strand). Cytogenetic location: 1p36.12.
Variant type: single nucleotide variant.
Coding change: c.1426G>C on transcript NM_000478.6 (MANE Select); coding-DNA position 1426, G replaced by C.
Protein change: p.Glu476Gln; replaces glutamic acid 476 with glutamine.
Molecular consequence: missense variant.
Genome position (GRCh38, 1-based): chr1:21,577,499, G>C. VCF-style: chr1-21577499-G-C. GRCh37 (hg19) VCF-style: chr1-21903992-G-C.
Other names: c.1261G>C, p.Glu421Gln (NM_001127501.4); c.1195G>C, p.Glu399Gln (NM_001177520.3); c.1426G>C, p.Glu476Gln (NM_001369803.2, NM_001369804.2, NM_001369805.2); short protein forms E399Q, E476Q, E421Q.
Identifiers: ClinVar variation 1347313 (VCV001347313.6), dbSNP rs1057517173, ClinGen allele CA338882173.

ClinVar aggregate classification (germline): Likely pathogenic (1 of 4 stars; one submission).

Submission:

Labcorp Genetics (formerly Invitae), Labcorp
Classification: Likely pathogenic. Last evaluated: 2021-04-23. Review status: criteria provided, single submitter. Criteria: Invitae Variant Classification Sherloc (09022015). Collection method: clinical testing. Allele origin: germline.
Comment: In summary, the currently available evidence indicates that the variant is pathogenic, but additional data are needed to prove that conclusively. Therefore, this variant has been classified as Likely Pathogenic. This variant disrupts the p.Glu476 amino acid residue in ALPL. Other variant(s) that disrupt this residue have been determined to be pathogenic (PMID: 19500388, 29236161). This suggests that this residue is clinically significant, and that variants that disrupt this residue are likely to be disease-causing. Advanced modeling of protein sequence and biophysical properties (such as structural, functional, and spatial information, amino acid conservation, physicochemical variation, residue mobility, and thermodynamic stability) performed at Invitae indicates that this missense variant is expected to disrupt ALPL protein function. This variant has not been reported in the literature in individuals with ALPL-related conditions. This variant is not present in population databases (ExAC no frequency). This sequence change replaces glutamic acid with glutamine at codon 476 of the ALPL protein (p.Glu476Gln). The glutamic acid residue is moderately conserved and there is a small physicochemical difference between glutamic acid and glutamine.

Literature cited by the submitters: PubMed 19500388; PubMed 29236161.